The following is an entry in ClinVar:

NC_000016.9:g.(?_15931755)_(15932119_?)dup

Gene: MYH11 (myosin heavy chain 11; minus strand). Cytogenetic location: 16p13.11.
Variant type: Duplication.
Identifiers: ClinVar variation 665654 (VCV000665654.7).

ClinVar aggregate classification (germline): Uncertain significance (1 of 4 stars; one submission).

Conditions:
Aortic aneurysm, familial thoracic 4 (AAT4). Also called: AORTIC ANEURYSM/AORTIC DISSECTION AND PATENT DUCTUS ARTERIOSUS. Identifiers: MedGen C1851504, MONDO:0007568, OMIM 132900.

Submission:

Labcorp Genetics (formerly Invitae), Labcorp
Classification: Uncertain significance for Aortic aneurysm, familial thoracic 4. Last evaluated: 2021-08-04. Review status: criteria provided, single submitter. Criteria: Invitae Variant Classification Sherloc (09022015). Collection method: clinical testing. Allele origin: germline.
Comment: This variant results in a copy number gain of the genomic region encompassing exon(s) 2 of the MYH11 gene. This region includes the initiator codon of the gene. The 5' end of this event is unknown as it extends beyond the assayed region for this gene and therefore may encompass additional genes. The 3' boundary is likely confined to intron 2 of the MYH11 gene. As the precise location of this event is unknown, it may be in tandem or it may be located elsewhere in the genome. This variant has not been reported in the literature in individuals affected with MYH11-related conditions. Experimental studies and prediction algorithms are not available or were not evaluated, and the functional significance of this variant is currently unknown. In summary, the available evidence is currently insufficient to determine the role of this variant in disease. Therefore, it has been classified as a Variant of Uncertain Significance.